The following is an entry in ClinVar:

ClinVar aggregate classification (germline): Likely benign. Review status: criteria provided, single submitter (1 of 4 stars). 2 submissions from 2 submitters: Likely benign (1). 1 of the submissions does not count toward it. Last evaluated 2026-02-20.

Conditions:
DCAF4L2-related disorder. Also called: DCAF4L2-related condition.

Allele frequency attached by ClinVar (database versions not stated): ExAC 0.00074; 1000 Genomes Project 30x 0.00187; 1000 Genomes Project 0.00220; TOPMed 0.00235; ESP Exome Variant Server 0.00346.
gnomAD v4.1: 832 of 1,614,192 alleles (0.052%); highest among the groups gnomAD compares: African/African-American, 0.74%; 6 homozygotes.

Submissions (2):

Ambry Genetics
Classification: Likely benign. Last evaluated: 2026-02-20. Review status: criteria provided, single submitter. Criteria: Ambry Variant Classification Scheme 2023. Collection method: clinical testing. Allele origin: germline.

PreventionGenetics, part of Exact Sciences
Classification: Benign for DCAF4L2-related condition. Last evaluated: 2019-05-02. Review status: no assertion criteria provided. Collection method: clinical testing. Allele origin: germline. Not counted in ClinVar's aggregate classification.
Comment: This variant is classified as benign based on ACMG/AMP sequence variant interpretation guidelines (Richards et al. 2015 PMID: 25741868, with internal and published modifications).

NM_152418.4(DCAF4L2):c.835C>T (p.Leu279Phe)

Gene: DCAF4L2 (DDB1 and CUL4 associated factor 4 like 2; minus strand). Cytogenetic location: 8q21.3.
Variant type: single nucleotide variant.
Coding change: c.835C>T on transcript NM_152418.4 (MANE Select); coding-DNA position 835, C replaced by T.
Protein change: p.Leu279Phe; replaces leucine 279 with phenylalanine.
Molecular consequence: missense variant.
Genome position (GRCh38, 1-based): chr8:87,873,137, G>A on the plus strand (C>T on the coding strand, the complement: DCAF4L2 is on the minus strand). VCF-style: chr8-87873137-G-A. GRCh37 (hg19) VCF-style: chr8-88885365-G-A.
Other names: short protein forms L279F.
Identifiers: ClinVar variation 3037956 (VCV003037956.4), dbSNP rs146197461, ClinGen allele CA4801148.